The following is an entry in ClinVar:

NM_016507.4(CDK12):c.1381G>A (p.Glu461Lys)

Gene: CDK12 (cyclin dependent kinase 12; plus strand). Cytogenetic location: 17q12.
Variant type: single nucleotide variant.
Coding change: c.1381G>A on transcript NM_016507.4 (MANE Select); coding-DNA position 1381, G replaced by A.
Protein change: p.Glu461Lys; replaces glutamic acid 461 with lysine.
Molecular consequence: missense variant.
Genome position (GRCh38, 1-based): chr17:39,471,213, G>A. VCF-style: chr17-39471213-G-A. GRCh37 (hg19) VCF-style: chr17-37627466-G-A.
Other names: c.1381G>A, p.Glu461Lys (NM_015083.4); short protein forms E461K.
Identifiers: ClinVar variation 4841670 (VCV004841670.1).

ClinVar aggregate classification (germline): Uncertain significance (1 of 4 stars; one submission).

Submission:

Ambry Genetics
Classification: Uncertain significance. Last evaluated: 2025-12-18. Review status: criteria provided, single submitter. Criteria: Ambry Variant Classification Scheme 2023. Collection method: clinical testing. Allele origin: germline.
Comment: The p.E461K variant (also known as c.1381G>A), located in coding exon 2 of the CDK12 gene, results from a G to A substitution at nucleotide position 1381. The glutamic acid at codon 461 is replaced by lysine, an amino acid with similar properties. This amino acid position is conserved. In addition, this alteration is predicted to be tolerated by in silico analysis. Based on the available evidence, the clinical significance of this variant remains unclear.